The following is an entry in ClinVar:

NM_031407.7(HUWE1):c.6073G>A (p.Ala2025Thr)

Gene: HUWE1 (HECT, UBA and WWE domain containing E3 ubiquitin protein ligase 1; minus strand). Cytogenetic location: Xp11.22.
Variant type: single nucleotide variant.
Coding change: c.6073G>A on transcript NM_031407.7 (MANE Select); coding-DNA position 6073, G replaced by A.
Protein change: p.Ala2025Thr; replaces alanine 2025 with threonine.
Molecular consequence: missense variant.
Genome position (GRCh38, 1-based): chrX:53,575,179, C>T on the plus strand (G>A on the coding strand, the complement: HUWE1 is on the minus strand). VCF-style: chrX-53575179-C-T. GRCh37 (hg19) VCF-style: chrX-53602139-C-T.
Other names: short protein forms A2025T.
Identifiers: ClinVar variation 1701005 (VCV001701005.6), dbSNP rs782688724, ClinGen allele CA10422144.

ClinVar aggregate classification (germline): Conflicting classifications of pathogenicity. Review status: criteria provided, conflicting classifications (1 of 4 stars). 2 submissions from 2 submitters: Uncertain significance (1); Likely benign (1). Last evaluated 2025-03-31.

Allele frequency attached by ClinVar (database versions not stated): gnomAD 0.00001 and 0.00002; gnomAD exomes 0.00001; ExAC 0.00002; TOPMed 0.00002.
gnomAD v4.1: 10 of 1,202,697 alleles (0.00083%); highest among the groups gnomAD compares: Admixed American, 0.011%; no homozygotes.

Submissions (2):

GeneDx
Classification: Uncertain significance. Last evaluated: 2025-03-31. Review status: criteria provided, single submitter. Criteria: GeneDx Variant Classification Process June 2021. Collection method: clinical testing. Allele origin: germline. Affected: yes.
Comment: In silico analysis indicates that this missense variant does not alter protein structure/function; Has not been previously published as pathogenic or benign to our knowledge

Labcorp Genetics (formerly Invitae), Labcorp
Classification: Likely benign. Last evaluated: 2024-01-08. Review status: criteria provided, single submitter. Criteria: Invitae Variant Classification Sherloc (09022015). Collection method: clinical testing. Allele origin: germline.